The following is an entry in ClinVar:

NM_004415.4(DSP):c.5380-15C>A

Gene: DSP (desmoplakin; plus strand). Cytogenetic location: 6p24.3.
Variant type: single nucleotide variant.
Coding change: c.5380-15C>A on transcript NM_004415.4 (MANE Select); 15 bases into the intron before coding-DNA position 5380, C replaced by A.
Molecular consequence: intron variant.
Genome position (GRCh38, 1-based): chr6:7,582,627, C>A. VCF-style: chr6-7582627-C-A. GRCh37 (hg19) VCF-style: chr6-7582860-C-A.
Other names: c.5380-15C>A (LRG_423t1); c.4051-15C>A (NM_001319034.2); c.3583-15C>A (NM_001008844.3).
Identifiers: ClinVar variation 628288 (VCV000628288.6), dbSNP rs753028657, ClinGen allele CA044782.

ClinVar aggregate classification (germline): Likely benign. Review status: criteria provided, multiple submitters, no conflicts (2 of 4 stars). 3 submissions from 3 submitters: Likely benign (3). Last evaluated 2023-09-05.

Conditions:
Arrhythmogenic cardiomyopathy with wooly hair and keratoderma. Also called: PALMOPLANTAR KERATODERMA WITH LEFT VENTRICULAR CARDIOMYOPATHY AND WOOLLY HAIR; Carvajal syndrome; Dilated cardiomyopathy with woolly hair and keratoderma; Arrhythmogenic cardiomyopathy with woolly hair and keratoderma. Identifiers: Orphanet 65282, MedGen C1854063, MONDO:0011581, OMIM 605676.
Arrhythmogenic right ventricular dysplasia 8 (ARVD8). Also called: ARRHYTHMOGENIC RIGHT VENTRICULAR DYSPLASIA, FAMILIAL, 8; ARRHYTHMOGENIC RIGHT VENTRICULAR CARDIOMYOPATHY 8; Arrhythmogenic Right Ventricular Dysplasia/Cardiomyopathy 8. Identifiers: MedGen C1843896, MONDO:0011831, OMIM 607450.
Cardiomyopathy (CMYO). Also called: Cardiomyopathies. Identifiers: Orphanet 167848, MedGen C0878544, MONDO:0004994, HP:0001638. Inheritance: Various modes of inheritance.

Allele frequency attached by ClinVar (database versions not stated): ExAC 0.00001; gnomAD 0.00001; gnomAD exomes 0.00001 and 0.00002; TOPMed 0.00001.
gnomAD v4.1: 18 of 1,600,876 alleles (0.0011%); highest among the groups gnomAD compares: Middle Eastern, 0.017%; no homozygotes.

Submissions (3):

All of Us Research Program, National Institutes of Health
Classification: Likely benign for Arrhythmogenic cardiomyopathy with wooly hair and keratoderma. Last evaluated: 2023-09-05. Review status: criteria provided, single submitter. Criteria: ACMG Guidelines, 2015. Collection method: clinical testing. Allele origin: germline. Inheritance: Autosomal dominant inheritance. Observed: 3 variant alleles, 3 heterozygotes.
Comment: This study involves interpretation of variants in research participants for the purpose of population health screening. Participant phenotype was not available at the time of variant classification. Additional details can be found in publication PMID: 35346344, PMCID: PMC8962531

Labcorp Genetics (formerly Invitae), Labcorp
Classification: Likely benign for Arrhythmogenic cardiomyopathy with wooly hair and keratoderma; Arrhythmogenic right ventricular dysplasia 8. Last evaluated: 2022-12-02. Review status: criteria provided, single submitter. Criteria: Invitae Variant Classification Sherloc (09022015). Collection method: clinical testing. Allele origin: germline.

Color Diagnostics, LLC DBA Color Health
Classification: Likely benign for Cardiomyopathy. Last evaluated: 2018-05-07. Review status: criteria provided, single submitter. Criteria: ACMG Guidelines, 2015. Collection method: clinical testing. Allele origin: germline.